The following is an entry in ClinVar:

ClinVar aggregate classification (germline): Conflicting classifications of pathogenicity. Review status: criteria provided, conflicting classifications (1 of 4 stars). 2 submissions from 2 submitters: Uncertain significance (1); Likely benign (1). Last evaluated 2024-06-11.

Allele frequency attached by ClinVar (database versions not stated): ExAC 0.00003; gnomAD exomes 0.00004; gnomAD 0.00013; TOPMed 0.00022.
gnomAD v4.1: 77 of 1,614,006 alleles (0.0048%); highest among the groups gnomAD compares: African/African-American, 0.043%; no homozygotes.

Submissions (2):

Blueprint Genetics
Classification: Likely benign. Last evaluated: 2024-06-11. Review status: criteria provided, single submitter. Criteria: ACMG Guidelines, 2015. Collection method: clinical testing. Allele origin: germline.

Labcorp Genetics (formerly Invitae), Labcorp
Classification: Uncertain significance. Last evaluated: 2022-08-15. Review status: criteria provided, single submitter. Criteria: Invitae Variant Classification Sherloc (09022015). Collection method: clinical testing. Allele origin: germline.
Comment: This sequence change falls in intron 14 of the OCA2 gene. It does not directly change the encoded amino acid sequence of the OCA2 protein. It affects a nucleotide within the consensus splice site. This variant is present in population databases (rs758207366, gnomAD 0.03%). This variant has not been reported in the literature in individuals affected with OCA2-related conditions. Variants that disrupt the consensus splice site are a relatively common cause of aberrant splicing (PMID: 17576681, 9536098). Algorithms developed to predict the effect of sequence changes on RNA splicing suggest that this variant is not likely to affect RNA splicing. In summary, the available evidence is currently insufficient to determine the role of this variant in disease. Therefore, it has been classified as a Variant of Uncertain Significance.

Literature cited by the submitters: PubMed 17576681 (cited by Labcorp Genetics (formerly Invitae), Labcorp); PubMed 9536098 (cited by Labcorp Genetics (formerly Invitae), Labcorp).

NM_000275.3(OCA2):c.1503+4C>T

Gene: OCA2 (OCA2 melanosomal transmembrane protein; minus strand). Cytogenetic location: 15q13.1.
Variant type: single nucleotide variant.
Coding change: c.1503+4C>T on transcript NM_000275.3 (MANE Select); 4 bases into the intron after coding-DNA position 1503, C replaced by T.
Molecular consequence: intron variant.
Genome position (GRCh38, 1-based): chr15:27,983,341, G>A on the plus strand (C>T on the coding strand, the complement: OCA2 is on the minus strand). VCF-style: chr15-27983341-G-A. GRCh37 (hg19) VCF-style: chr15-28228487-G-A.
Other names: c.1431+4C>T (NM_001300984.2).
Identifiers: ClinVar variation 2078766 (VCV002078766.2), dbSNP rs758207366, ClinGen allele CA7439023.